The following is an entry in ClinVar:

NM_001384125.1(BLTP1):c.10053+4C>T

Gene: BLTP1 (bridge-like lipid transfer protein family member 1; plus strand). Cytogenetic location: 4q27.
Variant type: single nucleotide variant.
Coding change: c.10053+4C>T on transcript NM_001384125.1 (MANE Select); 4 bases into the intron after coding-DNA position 10053, C replaced by T.
Molecular consequence: intron variant.
Genome position (GRCh38, 1-based): chr4:122,308,164, C>T. VCF-style: chr4-122308164-C-T. GRCh37 (hg19) VCF-style: chr4-123229319-C-T.
Other names: c.10053+4C>T (NM_015312.4).
Identifiers: ClinVar variation 4281469 (VCV004281469.7).

ClinVar aggregate classification (germline): Uncertain significance (1 of 4 stars; one submission).

gnomAD v4.1: 2 of 1,612,224 alleles (0.00012%); highest among the groups gnomAD compares: Admixed American, 0.0017%; no homozygotes.

Submission:

CeGaT Center for Human Genetics Tuebingen
Classification: Uncertain significance. Last evaluated: 2025-09-01. Review status: criteria provided, single submitter. Criteria: CeGaT Center For Human Genetics Tuebingen Variant Classification Criteria Version 2. Collection method: clinical testing. Allele origin: germline. Affected: yes. Observed: 1 variant allele.
Comment: BLTP1: PM2, BP4